The following is an entry in ClinVar:

NM_004984.4(KIF5A):c.1274A>G (p.Tyr425Cys)

Gene: KIF5A (kinesin family member 5A; plus strand). Cytogenetic location: 12q13.3.
Variant type: single nucleotide variant.
Coding change: c.1274A>G on transcript NM_004984.4 (MANE Select); coding-DNA position 1274, A replaced by G.
Protein change: p.Tyr425Cys; replaces tyrosine 425 with cysteine.
Molecular consequence: missense variant.
Genome position (GRCh38, 1-based): chr12:57,570,143, A>G. VCF-style: chr12-57570143-A-G. GRCh37 (hg19) VCF-style: chr12-57963926-A-G.
Other names: c.1007A>G, p.Tyr336Cys (NM_001354705.2); short protein forms Y336C, Y425C.
Identifiers: ClinVar variation 2195773 (VCV002195773.4), dbSNP rs1565699454, ClinGen allele CA385504459.

ClinVar aggregate classification (germline): Uncertain significance (1 of 4 stars; one submission).

Conditions:
Spastic paraplegia. Identifiers: MedGen C0037772, HP:0001258.

Allele frequency attached by ClinVar (database versions not stated): gnomAD exomes below 0.00001; TOPMed below 0.00001.
gnomAD v4.1: 2 of 1,613,946 alleles (0.00012%); highest among the groups gnomAD compares: Non-Finnish European, 0.000085%; no homozygotes.

Submission:

Labcorp Genetics (formerly Invitae), Labcorp
Classification: Uncertain significance for Spastic paraplegia. Last evaluated: 2025-01-06. Review status: criteria provided, single submitter. Criteria: Invitae Variant Classification Sherloc (09022015). Collection method: clinical testing. Allele origin: germline.
Comment: This sequence change replaces tyrosine, which is neutral and polar, with cysteine, which is neutral and slightly polar, at codon 425 of the KIF5A protein (p.Tyr425Cys). This variant is not present in population databases (gnomAD no frequency). This variant has not been reported in the literature in individuals affected with KIF5A-related conditions. ClinVar contains an entry for this variant (Variation ID: 2195773). Invitae Evidence Modeling of protein sequence and biophysical properties (such as structural, functional, and spatial information, amino acid conservation, physicochemical variation, residue mobility, and thermodynamic stability) has been performed for this missense variant. However, the output from this modeling did not meet the statistical confidence thresholds required to predict the impact of this variant on KIF5A protein function. In summary, the available evidence is currently insufficient to determine the role of this variant in disease. Therefore, it has been classified as a Variant of Uncertain Significance.